The following is an entry in ClinVar:

NM_012281.3(KCND2):c.1738A>G (p.Met580Val)

Gene: KCND2 (potassium voltage-gated channel subfamily D member 2; plus strand). Cytogenetic location: 7q31.31.
Variant type: single nucleotide variant.
Coding change: c.1738A>G on transcript NM_012281.3 (MANE Select); coding-DNA position 1738, A replaced by G.
Protein change: p.Met580Val; replaces methionine 580 with valine.
Molecular consequence: missense variant.
Genome position (GRCh38, 1-based): chr7:120,747,703, A>G. VCF-style: chr7-120747703-A-G. GRCh37 (hg19) VCF-style: chr7-120387757-A-G.
Other names: c.1738A>G (NM_012281.2); short protein forms M580V.
Identifiers: ClinVar variation 2731509 (VCV002731509.4), dbSNP rs201942568, ClinGen allele CA4453754.

ClinVar aggregate classification (germline): Uncertain significance. Review status: criteria provided, multiple submitters, no conflicts (2 of 4 stars). 2 submissions from 2 submitters: Uncertain significance (2). Last evaluated 2025-08-12.

Conditions:
Early Myoclonic Encephalopathy. Identifiers: MedGen C0270855.
Inborn genetic diseases. Identifiers: MedGen C0950123, MeSH D030342.

Allele frequency attached by ClinVar (database versions not stated): gnomAD exomes 0.00004; ESP Exome Variant Server 0.00008; ExAC 0.00002; gnomAD 0.00001; TOPMed 0.00003.
gnomAD v4.1: 56 of 1,612,414 alleles (0.0035%); highest among the groups gnomAD compares: Non-Finnish European, 0.0045%; no homozygotes.

Submissions (2):

Ambry Genetics
Classification: Uncertain significance for Inborn genetic diseases. Last evaluated: 2025-08-12. Review status: criteria provided, single submitter. Criteria: Ambry Variant Classification Scheme 2023. Collection method: clinical testing. Allele origin: germline.

Labcorp Genetics (formerly Invitae), Labcorp
Classification: Uncertain significance for Early Myoclonic Encephalopathy. Last evaluated: 2023-10-28. Review status: criteria provided, single submitter. Criteria: Invitae Variant Classification Sherloc (09022015). Collection method: clinical testing. Allele origin: germline.
Comment: This sequence change replaces methionine, which is neutral and non-polar, with valine, which is neutral and non-polar, at codon 580 of the KCND2 protein (p.Met580Val). This variant is present in population databases (rs201942568, gnomAD 0.002%). This variant has not been reported in the literature in individuals affected with KCND2-related conditions. Advanced modeling of protein sequence and biophysical properties (such as structural, functional, and spatial information, amino acid conservation, physicochemical variation, residue mobility, and thermodynamic stability) performed at Invitae indicates that this missense variant is not expected to disrupt KCND2 protein function with a negative predictive value of 95%. In summary, the available evidence is currently insufficient to determine the role of this variant in disease. Therefore, it has been classified as a Variant of Uncertain Significance.